The following is an entry in ClinVar:

ClinVar aggregate classification (germline): Uncertain significance (1 of 4 stars; one submission).

Conditions:
Immunodeficiency 23 (IMD23). Also called: IMMUNODEFICIENCY WITH HYPER IgE AND COGNITIVE IMPAIRMENT; IMMUNODEFICIENCY-VASCULITIS-MYOCLONUS SYNDROME. Identifiers: Orphanet 443811, MedGen C4014371, MONDO:0014353, OMIM 615816.

Submission:

Labcorp Genetics (formerly Invitae), Labcorp
Classification: Uncertain significance for Immunodeficiency 23. Last evaluated: 2020-03-11. Review status: criteria provided, single submitter. Criteria: Invitae Variant Classification Sherloc (09022015). Collection method: clinical testing. Allele origin: germline.
Comment: This sequence change falls in intron 13 of the PGM3 gene. It does not directly change the encoded amino acid sequence of the PGM3 protein, but it affects a nucleotide within the consensus splice site of the intron. This variant is not present in population databases (ExAC no frequency). This variant has not been reported in the literature in individuals with PGM3-related conditions. Nucleotide substitutions within the consensus splice site are a relatively common cause of aberrant splicing (PMID: 17576681, 9536098). Algorithms developed to predict the effect of sequence changes on RNA splicing suggest that this variant may create or strengthen a splice site, but this prediction has not been confirmed by published transcriptional studies. In summary, the available evidence is currently insufficient to determine the role of this variant in disease. Therefore, it has been classified as a Variant of Uncertain Significance.

Literature cited by the submitters: PubMed 17576681; PubMed 9536098.

NM_015599.3(PGM3):c.1539+6C>G

Genes: DOP1A (DOP1 leucine zipper like protein A; plus strand), PGM3 (phosphoglucomutase 3; minus strand). Cytogenetic location: 6q14.1.
Variant type: single nucleotide variant.
Coding change: c.1539+6C>G on transcript NM_015599.3 (MANE Select); 6 bases into the intron after coding-DNA position 1539, C replaced by G.
Molecular consequence: intron variant. On other transcripts: non-coding transcript variant (1), splice donor variant (1).
Genome position (GRCh38, 1-based): chr6:83,170,299, G>C on the plus strand (C>G on the coding strand, the complement: PGM3 is on the minus strand). VCF-style: chr6-83170299-G-C. GRCh37 (hg19) VCF-style: chr6-83880018-G-C.
Other names: c.1623+6C>G (NM_001199917.2, NM_001367287.1); c.1300+2C>G (NM_001199918.2); c.1416+6C>G (NM_001367286.1); c.1539+6C>G (NM_001199919.2).
Identifiers: ClinVar variation 1006641 (VCV001006641.9), dbSNP rs1002434518, ClinGen allele CA364878187.